The following is an entry in ClinVar:

NM_080680.3(COL11A2):c.3092C>G (p.Pro1031Arg)

Gene: COL11A2 (collagen type XI alpha 2 chain; minus strand). Cytogenetic location: 6p21.32.
Variant type: single nucleotide variant.
Coding change: c.3092C>G on transcript NM_080680.3 (MANE Select); coding-DNA position 3092, C replaced by G.
Protein change: p.Pro1031Arg; replaces proline 1031 with arginine.
Molecular consequence: missense variant.
Genome position (GRCh38, 1-based): chr6:33,171,771, G>C on the plus strand (C>G on the coding strand, the complement: COL11A2 is on the minus strand). VCF-style: chr6-33171771-G-C. GRCh37 (hg19) VCF-style: chr6-33139548-G-C.
Other names: c.2912C>G, p.Pro971Arg (NM_001424108.1); c.2246C>G, p.Pro749Arg (NM_001424109.1); c.2066C>G, p.Pro689Arg (NM_001424110.1, NM_001424111.1); c.1046C>G, p.Pro349Arg (NM_001424112.1); c.2771C>G, p.Pro924Arg (NM_080679.3); c.2834C>G, p.Pro945Arg (NM_080681.3); short protein forms P349R, P924R, P1031R, P689R, P749R, P945R, P971R.
Identifiers: ClinVar variation 2764808 (VCV002764808.3), dbSNP rs528009333, ClinGen allele CA363636504.

ClinVar aggregate classification (germline): Uncertain significance (1 of 4 stars; one submission).

Submission:

Labcorp Genetics (formerly Invitae), Labcorp
Classification: Uncertain significance. Last evaluated: 2023-05-23. Review status: criteria provided, single submitter. Criteria: Invitae Variant Classification Sherloc (09022015). Collection method: clinical testing. Allele origin: germline.
Comment: This variant is not present in population databases (gnomAD no frequency). This sequence change replaces proline, which is neutral and non-polar, with arginine, which is basic and polar, at codon 1031 of the COL11A2 protein (p.Pro1031Arg). This variant has not been reported in the literature in individuals affected with COL11A2-related conditions. Advanced modeling of protein sequence and biophysical properties (such as structural, functional, and spatial information, amino acid conservation, physicochemical variation, residue mobility, and thermodynamic stability) performed at Invitae indicates that this missense variant is not expected to disrupt COL11A2 protein function. In summary, the available evidence is currently insufficient to determine the role of this variant in disease. Therefore, it has been classified as a Variant of Uncertain Significance.